The following is an entry in ClinVar:

ClinVar aggregate classification (germline): Conflicting classifications of pathogenicity. Review status: criteria provided, conflicting classifications (1 of 4 stars). 5 submissions from 5 submitters: Uncertain significance (1); Benign (2); Likely benign (2). Last evaluated 2026-01-21.

Conditions:
Primary ciliary dyskinesia 3. Identifiers: Orphanet 244, MedGen C1837618, MONDO:0012085, OMIM 608644.
Primary ciliary dyskinesia. Also called: Ciliary dyskinesia. Identifiers: Orphanet 244, MedGen C0008780, MONDO:0016575, HP:0012265.

Allele frequency attached by ClinVar (database versions not stated): gnomAD exomes 0.00057; ExAC 0.00075; 1000 Genomes Project 0.00220; gnomAD 0.00228 and 0.00250; TOPMed 0.00233; 1000 Genomes Project 30x 0.00250; ESP Exome Variant Server 0.00261.
gnomAD v4.1: 655 of 1,613,922 alleles (0.041%); highest among the groups gnomAD compares: African/African-American, 0.81%; 7 homozygotes.

Submissions (5):

Labcorp Genetics (formerly Invitae), Labcorp
Classification: Benign for Primary ciliary dyskinesia. Last evaluated: 2026-01-21. Review status: criteria provided, single submitter. Criteria: Invitae Variant Classification Sherloc (09022015). Collection method: clinical testing. Allele origin: germline.

Blueprint Genetics
Classification: Likely benign. Last evaluated: 2024-10-18. Review status: criteria provided, single submitter. Criteria: ACMG Guidelines, 2015. Collection method: clinical testing. Allele origin: germline.

Ambry Genetics
Classification: Benign for Primary ciliary dyskinesia. Last evaluated: 2023-03-11. Review status: criteria provided, single submitter. Criteria: Ambry Variant Classification Scheme 2023. Collection method: clinical testing. Allele origin: germline.

Illumina Laboratory Services, Illumina
Classification: Uncertain significance for Primary ciliary dyskinesia 3. Last evaluated: 2017-04-28. Review status: criteria provided, single submitter. Criteria: ICSL Variant Classification Criteria 13 December 2019. Collection method: clinical testing. Allele origin: germline.
Comment: This variant was observed as part of a predisposition screen in an ostensibly healthy population. A literature search was performed for the gene, cDNA change, and amino acid change (where applicable). Publications were found based on this search. However, the evidence from the literature, in combination with allele frequency data from public databases where available, was not sufficient to rule this variant in or out of causing disease. Therefore, this variant is classified as a variant of unknown significance.

PreventionGenetics, part of Exact Sciences
Classification: Likely benign. Review status: criteria provided, single submitter. Criteria: ACMG Guidelines, 2015. Collection method: clinical testing. Allele origin: germline.

Literature cited by the submitters: PubMed 25118008 (cited by Illumina Laboratory Services, Illumina).

NM_001369.3(DNAH5):c.8805G>C (p.Met2935Ile)

Gene: DNAH5 (dynein axonemal heavy chain 5; minus strand). Cytogenetic location: 5p15.2.
Variant type: single nucleotide variant.
Coding change: c.8805G>C on transcript NM_001369.3 (MANE Select); coding-DNA position 8805, G replaced by C.
Protein change: p.Met2935Ile; replaces methionine 2935 with isoleucine.
Molecular consequence: missense variant.
Genome position (GRCh38, 1-based): chr5:13,786,194, C>G on the plus strand (G>C on the coding strand, the complement: DNAH5 is on the minus strand). VCF-style: chr5-13786194-C-G. GRCh37 (hg19) VCF-style: chr5-13786303-C-G.
Other names: short protein forms M2935I.
Identifiers: ClinVar variation 258064 (VCV000258064.20), dbSNP rs77874614, ClinGen allele CA3202732.